The following is an entry in ClinVar:

NM_004183.4(BEST1):c.47C>A (p.Ser16Tyr)

Gene: BEST1 (bestrophin 1; plus strand). Cytogenetic location: 11q12.3.
Variant type: single nucleotide variant.
Coding change: c.47C>A on transcript NM_004183.4 (MANE Select); coding-DNA position 47, C replaced by A.
Protein change: p.Ser16Tyr; replaces serine 16 with tyrosine.
Molecular consequence: missense variant. On other transcripts: non-coding transcript variant (1), intron variant (6).
Genome position (GRCh38, 1-based): chr11:61,951,853, C>A. VCF-style: chr11-61951853-C-A. GRCh37 (hg19) VCF-style: chr11-61719325-C-A.
Other names: c.47C>A, p.Ser16Tyr (NM_001363592.2, NM_001440571.1, NM_001440572.1 and 1 more transcripts); c.-29+1426C>A (NM_001139443.3, NM_001300787.2, NM_001440574.1 and 3 more transcripts); short protein forms S16Y.
Identifiers: ClinVar variation 1000927 (VCV001000927.8), dbSNP rs281865210, ClinGen allele CA380831310.

ClinVar aggregate classification (germline): Pathogenic (1 of 4 stars; one submission).

Submission:

Labcorp Genetics (formerly Invitae), Labcorp
Classification: Pathogenic. Last evaluated: 2022-02-08. Review status: criteria provided, single submitter. Criteria: Invitae Variant Classification Sherloc (09022015). Collection method: clinical testing. Allele origin: germline.
Comment: For these reasons, this variant has been classified as Pathogenic. This variant disrupts the p.Ser16 amino acid residue in BEST1. Other variant(s) that disrupt this residue have been determined to be pathogenic (PMID: 11241846, 27078032, 28687848). This suggests that this residue is clinically significant, and that variants that disrupt this residue are likely to be disease-causing. Advanced modeling of protein sequence and biophysical properties (such as structural, functional, and spatial information, amino acid conservation, physicochemical variation, residue mobility, and thermodynamic stability) performed at Invitae indicates that this missense variant is expected to disrupt BEST1 protein function. ClinVar contains an entry for this variant (Variation ID: 1000927). This missense change has been observed in individuals with clinical features of autosomal dominant vitelliform macular dystrophy (PMID: 17698758; Invitae). This variant is not present in population databases (gnomAD no frequency). This sequence change replaces serine, which is neutral and polar, with tyrosine, which is neutral and polar, at codon 16 of the BEST1 protein (p.Ser16Tyr).

Literature cited by the submitters: PubMed 11241846; PubMed 27078032; PubMed 28687848; PubMed 17698758.